The following is an entry in ClinVar:

ClinVar aggregate classification (germline): Uncertain significance (1 of 4 stars; one submission).

gnomAD v4.1: 24 of 1,210,697 alleles (0.002%); highest among the groups gnomAD compares: Admixed American, 0.0087%; no homozygotes.

Submission:

Women's Health and Genetics/Laboratory Corporation of America, LabCorp
Classification: Uncertain significance. Last evaluated: 2025-11-14. Review status: criteria provided, single submitter. Criteria: LabCorp Variant Classification Summary - May 2015. Collection method: clinical testing. Allele origin: germline.
Comment: Variant summary: LAS1L c.1615G>A (p.Val539Ile) results in a conservative amino acid change in the encoded protein sequence. Algorithms developed to predict the effect of missense changes on protein structure and function all suggest that this variant is likely to be tolerated. The variant allele was found at a frequency of 5.5e-05 in 183359 control chromosomes. This frequency is not significantly higher than estimated for disease-causing variants in LAS1L, allowing no conclusion about variant significance. To our knowledge, no occurrence of c.1615G>A in individuals affected with LAS1L-related conditions and no experimental evidence demonstrating its impact on protein function have been reported. No submitters have cited clinical-significance assessments for this variant to ClinVar. Based on the evidence outlined above, the variant was classified as uncertain significance.

NM_031206.7(LAS1L):c.1615G>A (p.Val539Ile)

Gene: LAS1L (LAS1 like ribosome biogenesis factor; minus strand). Cytogenetic location: Xq12.
Variant type: single nucleotide variant.
Coding change: c.1615G>A on transcript NM_031206.7 (MANE Select); coding-DNA position 1615, G replaced by A.
Protein change: p.Val539Ile; replaces valine 539 with isoleucine.
Molecular consequence: missense variant. On other transcripts: non-coding transcript variant (3).
Genome position (GRCh38, 1-based): chrX:65,518,299, C>T on the plus strand (G>A on the coding strand, the complement: LAS1L is on the minus strand). VCF-style: chrX-65518299-C-T. GRCh37 (hg19) VCF-style: chrX-64738179-C-T.
Other names: c.1564G>A, p.Val522Ile (NM_001170649.2, NM_001375333.1); c.1438G>A, p.Val480Ile (NM_001170650.2); c.1615G>A, p.Val539Ile (NM_001375328.1); c.658G>A, p.Val220Ile (NM_001375332.1); short protein forms V220I, V480I, V522I, V539I.
Identifiers: ClinVar variation 4536671 (VCV004536671.1).
Genomic context (GRCh38, chrX:65,518,299, plus strand): 5'-CCTGCTCCTCCTGTTGCTGGGCCTTTGCTTCAGACCCGAAGCTGGAGCTGGCTGGCTTGA[C>T]GCTCCAATACAGGCTGTCTAGTGTATATGGAGACTTCCCAATGGGGGAGGCCTCAGAGCC-3'
Protein context (NP_112483.1, residues 529-549): PYTLDSLYWS[Val539Ile]KPASSSFGSE